The following is an entry in ClinVar:

NM_001035.3(RYR2):c.10269T>G (p.Asn3423Lys)

Gene: RYR2 (ryanodine receptor 2; plus strand). Cytogenetic location: 1q43.
Variant type: single nucleotide variant.
Coding change: c.10269T>G on transcript NM_001035.3 (MANE Select); coding-DNA position 10269, T replaced by G.
Protein change: p.Asn3423Lys; replaces asparagine 3423 with lysine.
Molecular consequence: missense variant.
Genome position (GRCh38, 1-based): chr1:237,711,783, T>G. VCF-style: chr1-237711783-T-G. GRCh37 (hg19) VCF-style: chr1-237875083-T-G.
Other names: short protein forms N3423K.
Identifiers: ClinVar variation 4698640 (VCV004698640.1).

ClinVar aggregate classification (germline): Uncertain significance (1 of 4 stars; one submission).

Conditions:
Catecholaminergic polymorphic ventricular tachycardia 1. Also called: RYR2-Related Catecholaminergic Polymorphic Ventricular Tachycardia; VENTRICULAR TACHYCARDIA, STRESS-INDUCED POLYMORPHIC 1; VENTRICULAR TACHYCARDIA, CATECHOLAMINERGIC POLYMORPHIC, 1, WITH OR WITHOUT ATRIAL DYSFUNCTION AND/OR DILATED CARDIOMYOPATHY. Identifiers: Orphanet 3286, MedGen C1631597, MONDO:0011484, OMIM 604772.

Submission:

Labcorp Genetics (formerly Invitae), Labcorp
Classification: Uncertain significance for Catecholaminergic polymorphic ventricular tachycardia 1. Last evaluated: 2025-12-01. Review status: criteria provided, single submitter. Criteria: Invitae Variant Classification Sherloc (09022015). Collection method: clinical testing. Allele origin: germline.
Comment: This sequence change replaces asparagine, which is neutral and polar, with lysine, which is basic and polar, at codon 3423 of the RYR2 protein (p.Asn3423Lys). This variant is not present in population databases (gnomAD no frequency). This variant has not been reported in the literature in individuals affected with RYR2-related conditions. Invitae Evidence Modeling of protein sequence and biophysical properties (such as structural, functional, and spatial information, amino acid conservation, physicochemical variation, residue mobility, and thermodynamic stability) indicates that this missense variant is expected to disrupt RYR2 protein function with a positive predictive value of 95%. In summary, the available evidence is currently insufficient to determine the role of this variant in disease. Therefore, it has been classified as a Variant of Uncertain Significance.